The following is an entry in ClinVar:

ClinVar aggregate classification (germline): Likely pathogenic (1 of 4 stars; one submission).

Conditions:
Aortic aneurysm, familial thoracic 6 (AAT6). Also called: FAMILIAL THORACIC AORTIC ANEURYSM WITH LIVEDO RETICULARIS AND IRIS FLOCCULI. Identifiers: MedGen C2673186, MONDO:0012730, OMIM 611788.

Submission:

Labcorp Genetics (formerly Invitae), Labcorp
Classification: Likely pathogenic for Aortic aneurysm, familial thoracic 6. Last evaluated: 2020-02-06. Review status: criteria provided, single submitter. Criteria: Invitae Variant Classification Sherloc (09022015). Collection method: clinical testing. Allele origin: germline.
Comment: This variant has been observed in individual(s) with thoracic aortic aneurysm or dissection (PMID: 30056620, Invitae). This sequence change replaces arginine with serine at codon 39 of the ACTA2 protein (p.Arg39Ser). The arginine residue is highly conserved and there is a moderate physicochemical difference between arginine and serine. This variant is not present in population databases (ExAC no frequency). Algorithms developed to predict the effect of missense changes on protein structure and function are either unavailable or do not agree on the potential impact of this missense change (SIFT: "Deleterious"; PolyPhen-2: "Benign"; Align-GVGD: "Class C65"). Algorithms developed to predict the effect of sequence changes on RNA splicing suggest that this variant may create or strengthen a splice site, but this prediction has not been confirmed by published transcriptional studies. This variant disrupts the p.Arg39 amino acid residue in ACTA2. Other variant(s) that disrupt this residue have been determined to be pathogenic (PMID: 21248741,21733706, 21937134, 24243736, 25644172, 25759435). This suggests that this residue is clinically significant, and that variants that disrupt this residue are likely to be disease-causing. In summary, the currently available evidence indicates that the variant is pathogenic, but additional data are needed to prove that conclusively. Therefore, this variant has been classified as Likely Pathogenic.

Literature cited by the submitters: PubMed 30056620; PubMed 21248741; PubMed 21733706; PubMed 21937134; PubMed 24243736; PubMed 25644172; PubMed 25759435.

NM_001613.4(ACTA2):c.115C>A (p.Arg39Ser)

Gene: ACTA2 (actin alpha 2, smooth muscle; minus strand). Cytogenetic location: 10q23.31.
Variant type: single nucleotide variant.
Coding change: c.115C>A on transcript NM_001613.4 (MANE Select); coding-DNA position 115, C replaced by A.
Protein change: p.Arg39Ser; replaces arginine 39 with serine.
Molecular consequence: missense variant.
Genome position (GRCh38, 1-based): chr10:88,948,816, G>T on the plus strand (C>A on the coding strand, the complement: ACTA2 is on the minus strand). VCF-style: chr10-88948816-G-T. GRCh37 (hg19) VCF-style: chr10-90708573-G-T.
Other names: c.115C>A, p.Arg39Ser (NM_001141945.3, NM_001320855.2, NM_001406462.1 and 7 more transcripts); short protein forms R39S.
Identifiers: ClinVar variation 1066384 (VCV001066384.10), dbSNP rs112901682, ClinGen allele CA377513610.